The following is an entry in ClinVar:

NM_014264.5(PLK4):c.764G>A (p.Ser255Asn)

Gene: PLK4 (polo like kinase 4; plus strand). Cytogenetic location: 4q28.1.
Variant type: single nucleotide variant.
Coding change: c.764G>A on transcript NM_014264.5 (MANE Select); coding-DNA position 764, G replaced by A.
Protein change: p.Ser255Asn; replaces serine 255 with asparagine.
Molecular consequence: missense variant.
Genome position (GRCh38, 1-based): chr4:127,886,134, G>A. VCF-style: chr4-127886134-G-A. GRCh37 (hg19) VCF-style: chr4-128807289-G-A.
Other names: c.668G>A, p.Ser223Asn (NM_001190799.2); c.641G>A, p.Ser214Asn (NM_001190801.2); short protein forms S214N, S223N, S255N.
Identifiers: ClinVar variation 2416270 (VCV002416270.6), dbSNP rs1735116087, ClinGen allele CA358150281.
Genomic context (GRCh38, chr4:127,886,134, plus strand): 5'-CAATAGAGGCCAAGGACCTTATTCACCAGTTACTTCGTAGAAATCCAGCAGATCGTTTAA[G>A]TCTGTCTTCAGTATTGGACCATCCTTTTATGTCCCGAAATTCTTCAACAAAAAGTAAAGA-3'
Protein context (NP_055079.3, residues 245-265): LLRRNPADRL[Ser255Asn]LSSVLDHPFM

ClinVar aggregate classification (germline): Uncertain significance (1 of 4 stars; one submission).

Allele frequency attached by ClinVar (database versions not stated): TOPMed below 0.00001.

Submission:

Labcorp Genetics (formerly Invitae), Labcorp
Classification: Uncertain significance. Last evaluated: 2025-03-31. Review status: criteria provided, single submitter. Criteria: Invitae Variant Classification Sherloc (09022015). Collection method: clinical testing. Allele origin: germline.
Comment: This sequence change replaces serine, which is neutral and polar, with asparagine, which is neutral and polar, at codon 255 of the PLK4 protein (p.Ser255Asn). This variant is not present in population databases (gnomAD no frequency). This variant has not been reported in the literature in individuals affected with PLK4-related conditions. ClinVar contains an entry for this variant (Variation ID: 2416270). An algorithm developed to predict the effect of missense changes on protein structure and function (PolyPhen-2) suggests that this variant is likely to be disruptive. In summary, the available evidence is currently insufficient to determine the role of this variant in disease. Therefore, it has been classified as a Variant of Uncertain Significance.